The following is an entry in ClinVar:

ClinVar aggregate classification (germline): Uncertain significance. Review status: criteria provided, multiple submitters, no conflicts (2 of 4 stars). 2 submissions from 2 submitters: Uncertain significance (2). Last evaluated 2025-07-28.

Conditions:
Tietz syndrome (TADS). Also called: HYPOPIGMENTATION/DEAFNESS OF TIETZ; TIETZ ALBINISM-DEAFNESS SYNDROME; ALBINISM-DEAFNESS OF TIETZ. Identifiers: Orphanet 42665, MedGen C0391816, MONDO:0007077, OMIM 103500.
Waardenburg syndrome type 2A (WS2A). Also called: WAARDENBURG SYNDROME WITHOUT DYSTOPIA CANTHORUM. Identifiers: Orphanet 3440, MedGen C1860339, MONDO:0008671, OMIM 193510.
Melanoma, cutaneous malignant, susceptibility to, 8. Also called: MELANOMA AND RENAL CELL CARCINOMA, SUSCEPTIBILITY TO; Cutaneous malignant melanoma 8. Identifiers: Orphanet 293822, MedGen C3152204, MONDO:0013759, OMIM 614456.
Hereditary cancer-predisposing syndrome. Also called: Hereditary neoplastic syndrome; Tumor predisposition; Hereditary Cancer Syndrome; Neoplastic Syndromes, Hereditary. Identifiers: Orphanet 140162, MedGen C0027672, MeSH D009386, MONDO:0015356.

gnomAD v4.1: 3 of 1,613,806 alleles (0.00019%); highest among the groups gnomAD compares: Non-Finnish European, 0.00025%; no homozygotes.

Submissions (2):

Ambry Genetics
Classification: Uncertain significance for Hereditary cancer-predisposing syndrome. Last evaluated: 2025-07-28. Review status: criteria provided, single submitter. Criteria: Ambry Variant Classification Scheme 2023. Collection method: clinical testing. Allele origin: germline.
Comment: The p.P165R variant (also known as c.494C>G), located in coding exon 5 of the MITF gene, results from a C to G substitution at nucleotide position 494. The proline at codon 165 is replaced by arginine, an amino acid with dissimilar properties. This amino acid position is conserved. In addition, this alteration is predicted to be tolerated by in silico analysis. Based on the available evidence, the clinical significance of this variant remains unclear.

Labcorp Genetics (formerly Invitae), Labcorp
Classification: Uncertain significance for Melanoma, cutaneous malignant, susceptibility to, 8; Waardenburg syndrome type 2A; Tietz syndrome. Last evaluated: 2024-08-19. Review status: criteria provided, single submitter. Criteria: Invitae Variant Classification Sherloc (09022015). Collection method: clinical testing. Allele origin: germline.
Comment: This sequence change replaces proline, which is neutral and non-polar, with arginine, which is basic and polar, at codon 165 of the MITF protein (p.Pro165Arg). This variant is not present in population databases (gnomAD no frequency). This variant has not been reported in the literature in individuals affected with MITF-related conditions. Invitae Evidence Modeling of protein sequence and biophysical properties (such as structural, functional, and spatial information, amino acid conservation, physicochemical variation, residue mobility, and thermodynamic stability) has been performed for this missense variant. However, the output from this modeling did not meet the statistical confidence thresholds required to predict the impact of this variant on MITF protein function. In summary, the available evidence is currently insufficient to determine the role of this variant in disease. Therefore, it has been classified as a Variant of Uncertain Significance.

NM_001354604.2(MITF):c.815C>G (p.Pro272Arg)

Gene: MITF (melanocyte inducing transcription factor; plus strand). Cytogenetic location: 3p13.
Variant type: single nucleotide variant.
Coding change: c.815C>G on transcript NM_001354604.2 (MANE Select); coding-DNA position 815, C replaced by G.
Protein change: p.Pro272Arg; replaces proline 272 with arginine.
Molecular consequence: missense variant.
Genome position (GRCh38, 1-based): chr3:69,949,103, C>G. VCF-style: chr3-69949103-C-G. GRCh37 (hg19) VCF-style: chr3-69998254-C-G.
Other names: c.494C>G, p.Pro165Arg (NM_000248.4, NM_198158.3); c.659C>G, p.Pro220Arg (NM_001184967.2, NM_001354608.2); c.812C>G, p.Pro271Arg (NM_001354605.2, NM_001354606.2, NM_006722.3); c.764C>G, p.Pro255Arg (NM_001354607.2); c.815C>G, p.Pro272Arg (NM_198159.3); c.767C>G, p.Pro256Arg (NM_198177.3); c.326C>G, p.Pro109Arg (NM_198178.3); short protein forms P109R, P165R, P220R, P255R, P256R, P271R, P272R.
Identifiers: ClinVar variation 3751626 (VCV003751626.3).